The following is an entry in ClinVar:

ClinVar aggregate classification (germline): Pathogenic. Review status: criteria provided, multiple submitters, no conflicts (2 of 4 stars). 18 submissions from 18 submitters: Pathogenic (16). 2 of the submissions do not count toward it. Last evaluated 2026-10-22.

Conditions:
Inherited phaeochromocytoma and paraganglioma excluding NF1.
Pheochromocytoma. Also called: MAX-Related Hereditary Paraganglioma-Pheochromocytoma Syndrome. Identifiers: Orphanet 29072, MedGen C0031511, MONDO:0008233, OMIM 171300, HP:0002666.
Gastrointestinal stromal tumor. Also called: Gastrointestinal stromal tumor, somatic; Gastrointestinal stroma tumor. Identifiers: Orphanet 44890, MedGen C0238198, MeSH D046152, MONDO:0011719, OMIM 606764, HP:0100723.
Pheochromocytoma/paraganglioma syndrome 4. Also called: CAROTID BODY TUMORS AND MULTIPLE EXTRAADRENAL PHEOCHROMOCYTOMAS; SDHB-Related Hereditary Paraganglioma-Pheochromocytoma Syndrome (Paragangliomas 4); PARAGANGLIOMA, FAMILIAL MALIGNANT; PARAGANGLIOMAS, HEREDITARY EXTRAADRENAL; PHEOCHROMOCYTOMA, FAMILIAL EXTRAADRENAL; SDHB-Related Hereditary Paraganglioma-Pheochromocytoma Syndrome. Identifiers: Orphanet 29072, MedGen C1861848, MONDO:0007273, OMIM 115310.
SDHB-related disorder. Also called: SDHB-related condition; SDHB-related disorders. Identifiers: MedGen CN239418.
Hereditary cancer-predisposing syndrome. Also called: Hereditary neoplastic syndrome; Neoplastic Syndromes, Hereditary; Tumor predisposition; Hereditary Cancer Syndrome. Identifiers: Orphanet 140162, MedGen C0027672, MeSH D009386, MONDO:0015356.
Hereditary pheochromocytoma and paraganglioma. Also called: Hereditary paragangliomas and pheochromocytomas; Hereditary Paraganglioma-Pheochromocytoma Syndromes; Hereditary pheochromocytoma-paraganglioma. Identifiers: Orphanet 29072, MedGen C4274332, MONDO:0017366.

Allele frequency attached by ClinVar (database versions not stated): gnomAD exomes 0.00001 and 0.00002; ExAC 0.00002; gnomAD 0.00003.
gnomAD v4.1: 17 of 1,613,622 alleles (0.0011%); highest among the groups gnomAD compares: African/African-American, 0.004%; no homozygotes.

Submissions 1 to 8 of 18:

Cambridge Genomics Laboratory, East Genomic Laboratory Hub, NHS Genomic Medicine Service
Classification: Pathogenic for Inherited phaeochromocytoma and paraganglioma excluding NF1. Last evaluated: 2026-10-22. Review status: criteria provided, single submitter. Criteria: ACGS Best Practice Guidelines for Variant Classification in Rare Disease 2020. Collection method: clinical testing. Allele origin: germline. Affected: yes.
Comment: PVS1,PM2_Supporting,PP1_Strong

Labcorp Genetics (formerly Invitae), Labcorp
Classification: Pathogenic for Gastrointestinal stromal tumor; Pheochromocytoma/paraganglioma syndrome 4; Pheochromocytoma. Last evaluated: 2026-01-27. Review status: criteria provided, single submitter. Criteria: Invitae Variant Classification Sherloc (09022015). Collection method: clinical testing. Allele origin: germline.
Comment: This sequence change creates a premature translational stop signal (p.Arg46*) in the SDHB gene. It is expected to result in an absent or disrupted protein product. Loss-of-function variants in SDHB are known to be pathogenic (PMID: 19454582, 19802898). This variant is present in population databases (rs74315370, gnomAD 0.01%). This premature translational stop signal has been observed in individual(s) with pheochromocytoma, paraganglioma, and renal cell carcinoma (PMID: 12618761, 16405730, 18728283, 21348866, 23797725). It has also been observed to segregate with disease in related individuals. ClinVar contains an entry for this variant (Variation ID: 142763). For these reasons, this variant has been classified as Pathogenic.

Women's Health and Genetics/Laboratory Corporation of America, LabCorp
Classification: Pathogenic for Hereditary pheochromocytoma and paraganglioma. Last evaluated: 2025-11-04. Review status: criteria provided, single submitter. Criteria: LabCorp Variant Classification Summary - May 2015. Collection method: clinical testing. Allele origin: germline.
Comment: Variant summary: SDHB c.136C>T (p.Arg46X) results in a premature termination codon, predicted to cause absence of the protein due to nonsense mediated decay, which is a commonly known mechanism for disease. The variant allele was found at a frequency of 1.6e-05 in 251342 control chromosomes. c.136C>T has been observed in at-least one individual affected with Familial Renal Cell Carcinoma (example, Benn_2003). To our knowledge, no experimental evidence demonstrating an impact on protein function has been reported. The following publication has been ascertained in the context of this evaluation (PMID: 12618761). ClinVar contains an entry for this variant (Variation ID: 142763). Based on the evidence outlined above, the variant was classified as pathogenic.

Rady Children's Institute for Genomic Medicine, Rady Children's Hospital San Diego
Classification: Pathogenic for SDHB-related disorders. Last evaluated: 2025-10-24. Review status: criteria provided, single submitter. Criteria: ACMG Guidelines, 2015. Collection method: clinical testing. Allele origin: germline. Affected: yes.
Comment: This nonsense variant found in exon 2 of 8 (NM_003000.3) is predicted to result in loss of normal protein function through either protein truncation or nonsense-mediated mRNA decay. Loss-of-function variation in SDHB is an established mechanism of disease (PMID: 16258955, 19389109, 17652212). This variant has been reported in individuals affected with pheochromocytoma/paraganglioma and segregates with disease in related individuals (PMID: 19075037, 18728283, 18419787, 19454582, 21348866, 21909610, 23797725, 27539324, 28944243, 30050099, 30122763). The c.136C>T (p.Arg46Ter) variant is present in the latest version of the gnomAD population database at an allele frequency of 0.001% (17/1613622) and thus is presumed to be rare. Based on the available evidence, c.136C>T (p.Arg46Ter) is classified as a Pathogenic variant.

Ambry Genetics
Classification: Pathogenic for Hereditary cancer-predisposing syndrome. Last evaluated: 2025-02-03. Review status: criteria provided, single submitter. Criteria: Ambry Variant Classification Scheme 2023. Collection method: clinical testing. Allele origin: germline.
Comment: The p.R46* pathogenic mutation (also known as c.136C>T), located in coding exon 2 of the SDHB gene, results from a C to T substitution at nucleotide position 136. This changes the amino acid from an arginine to a stop codon within coding exon 2. This mutation has been reported multiple times as a disease-causing mutation in patients with PGL-PCC or renal cell carcinoma (Benn DE et al. Oncogene. 2003 Mar;22:1358-64; Bayley JP et al. BMC Med. Genet. 2006 Jan;7:1; Benn DE et al. J. Clin. Endocrinol. Metab. 2006 Mar;91:827-36; Brouwers FM et al. J. Clin. Endocrinol. Metab. 2006 Nov;91:4505-9; Ricketts C et al. J. Natl. Cancer Inst. 2008 Sep;100:1260-2; Srirangalingam U et al. Clin. Endocrinol. 2008 Oct;69:587-96; Ghayee HK et al. Endocr. Relat. Cancer. 2009 Mar;16:291-9; Mason EF et al. Am. J. Surg. Pathol. 2013 Oct;37:1612-8; Pandit R et al. Eur. J. Endocrinol. 2016 Oct;175(4):311-23; Chew WHW et al. Mol Genet Genomic Med. 2017 Sep;5(5):602-607). In addition to the clinical data presented in the literature, this alteration is expected to result in loss of function by premature protein truncation or nonsense-mediated mRNA decay. As such, this alteration is interpreted as a disease-causing mutation.

Color Diagnostics, LLC DBA Color Health
Classification: Pathogenic for Hereditary pheochromocytoma and paraganglioma. Last evaluated: 2024-10-29. Review status: criteria provided, single submitter. Criteria: ACMG Guidelines, 2015. Collection method: clinical testing. Allele origin: germline.
Comment: This variant changes 1 nucleotide in exon 2 of the SDHB gene, creating a premature translation stop signal. This variant is expected to result in an absent or non-functional protein product. This variant has been reported in individuals affected with pheochromocytoma/paraganglioma (PMID: 19075037, 19454582, 21348866, 21909610, 23797725, 27539324, 28944243, 30122763). This variant has been identified in 5/282738 chromosomes in the general population by the Genome Aggregation Database (gnomAD). Loss of SDHB function is a known mechanism of disease. Based on the available evidence, this variant is classified as Pathogenic.

All of Us Research Program, National Institutes of Health
Classification: Pathogenic for Hereditary pheochromocytoma and paraganglioma. Last evaluated: 2024-08-19. Review status: criteria provided, single submitter. Criteria: ACMG Guidelines, 2015. Collection method: clinical testing. Allele origin: germline. Inheritance: Autosomal dominant inheritance. Observed: 4 variant alleles, 4 heterozygotes.
Comment: The c.136C>T (p.Arg46*) variant in the SDHB gene is located on the exon 2 and introduces a premature translation termination codon, resulting in an absent or disrupted protein product. The variant has been reported in multiple unrelated individuals with paraganglioma/pheochromocytoma/renal cell carcinoma (PMID: 33362715, 35127314, 36597280, 29623478, 21348866, 18728283, 16405730). The alternative frameshift and stop-gain variants located in the same exon (p.Pro56fs, p.Gln30fs) have been reported in individuals with paraganglioma/pheochromocytoma and reviewed as pathogenic (ClinVar ID: 185342, 186518). Loss-of-function variants of SDHB are known to be pathogenic (PMID: 16258955, 19389109, 28490599). The variant is reported in ClinVar (ID: 142763). The variant is rare in general population according to gnomAD (5/282738). Therefore, the c.136C>T (p.Arg46*) variant in the SDHB gene has been classified as pathogenic.

This study involves interpretation of variants in research participants for the purpose of population health screening. Participant phenotype was not available at the time of variant classification. Additional details can be found in publication PMID: 35346344, PMCID: PMC8962531

Quest Diagnostics Nichols Institute San Juan Capistrano
Classification: Pathogenic. Last evaluated: 2024-04-13. Review status: criteria provided, single submitter. Criteria: Quest Diagnostics criteria. Collection method: clinical testing. Allele origin: unknown.
Comment: The SDHB c.136C>T (p.Arg46*) variant causes the premature termination of SDHB protein synthesis. This variant has been reported in the published literature in multiple individuals affected with paraganglioma-pheochromocytoma (PGL/PCC) (PMID: 12618761 (2003), 16317055 (2006), 16405730 (2006), 16912137 (2006), 18419787 (2008), 19454582 (2009), 21348866 (2012), 21909610 (2011), 23797725 (2013), 28944243 (2017), 33362715 (2020)), and renal cell carcinoma (PMID: 18728283 (2008)). The frequency of this variant in the general population, 0.000018 (5/282738 chromosomes (Genome Aggregation Database)), is consistent with pathogenicity. Based on the available information, this variant is classified as pathogenic.

NM_003000.3(SDHB):c.136C>T (p.Arg46Ter)

Gene: SDHB (succinate dehydrogenase complex iron sulfur subunit B; minus strand). Cytogenetic location: 1p36.13.
Variant type: single nucleotide variant.
Coding change: c.136C>T on transcript NM_003000.3 (MANE Select); coding-DNA position 136, C replaced by T.
Protein change: p.Arg46Ter; replaces arginine 46 with a stop codon.
Molecular consequence: nonsense.
Genome position (GRCh38, 1-based): chr1:17,044,825, G>A on the plus strand (C>T on the coding strand, the complement: SDHB is on the minus strand). VCF-style: chr1-17044825-G-A. GRCh37 (hg19) VCF-style: chr1-17371320-G-A.
Other names: p.R46*:CGA>TGA; short protein forms R46*.
Identifiers: ClinVar variation 142763 (VCV000142763.33), dbSNP rs74315370, ClinGen allele CA015507.